The following is an entry in ClinVar:

ClinVar aggregate classification (germline): Pathogenic (1 of 4 stars; one submission).

Conditions:
Glycogen storage disease type X (GSD10). Also called: Glycogen storage disease due to phosphoglycerate mutase deficiency; GSD X; MYOPATHY DUE TO PHOSPHOGLYCERATE MUTASE DEFICIENCY; PGAMM DEFICIENCY; PHOSPHOGLYCERATE MUTASE, MUSCLE, DEFICIENCY OF; Dimauro disease. Identifiers: Orphanet 97234, MedGen C0268149, MONDO:0009865, OMIM 261670.

Allele frequency attached by ClinVar (database versions not stated): gnomAD exomes below 0.00001.
gnomAD v4.1: 1 of 1,613,902 alleles (0.000062%); highest among the groups gnomAD compares: South Asian, 0.0011%; no homozygotes.

Submission:

Labcorp Genetics (formerly Invitae), Labcorp
Classification: Pathogenic for Glycogen storage disease type X. Last evaluated: 2023-02-25. Review status: criteria provided, single submitter. Criteria: Invitae Variant Classification Sherloc (09022015). Collection method: clinical testing. Allele origin: germline.
Comment: For these reasons, this variant has been classified as Pathogenic. This variant has not been reported in the literature in individuals affected with PGAM2-related conditions. This variant is not present in population databases (gnomAD no frequency). This sequence change creates a premature translational stop signal (p.Ser58*) in the PGAM2 gene. It is expected to result in an absent or disrupted protein product. Loss-of-function variants in PGAM2 are known to be pathogenic (PMID: 8447317, 19273759).

Literature cited by the submitters: PubMed 8447317; PubMed 19273759.

NM_000290.4(PGAM2):c.173C>G (p.Ser58Ter)

Genes: DBNL (drebrin like; plus strand), PGAM2 (phosphoglycerate mutase 2; minus strand). Cytogenetic location: 7p13.
Variant type: single nucleotide variant.
Coding change: c.173C>G on transcript NM_000290.4 (MANE Select); coding-DNA position 173, C replaced by G.
Protein change: p.Ser58Ter; replaces serine 58 with a stop codon.
Molecular consequence: nonsense. On other transcripts: 3 prime UTR variant (6).
Genome position (GRCh38, 1-based): chr7:44,065,357, G>C on the plus strand (C>G on the coding strand, the complement: PGAM2 is on the minus strand). VCF-style: chr7-44065357-G-C. GRCh37 (hg19) VCF-style: chr7-44104956-G-C.
Other names: c.*4441G>C (NM_001014436.3, NM_001122956.2, NM_001284313.2 and 3 more transcripts); short protein forms S58*.
Identifiers: ClinVar variation 2792686 (VCV002792686.3), dbSNP rs2484210663, ClinGen allele CA367369933.